The following is an entry in ClinVar:

NM_003590.5(CUL3):c.1306T>G (p.Leu436Val)

Gene: CUL3 (cullin 3; minus strand). Cytogenetic location: 2q36.2.
Variant type: single nucleotide variant.
Coding change: c.1306T>G on transcript NM_003590.5 (MANE Select); coding-DNA position 1306, T replaced by G.
Protein change: p.Leu436Val; replaces leucine 436 with valine.
Molecular consequence: missense variant.
Genome position (GRCh38, 1-based): chr2:224,503,723, A>C on the plus strand (T>G on the coding strand, the complement: CUL3 is on the minus strand). VCF-style: chr2-224503723-A-C. GRCh37 (hg19) VCF-style: chr2-225368440-A-C.
Other names: c.1108T>G, p.Leu370Val (NM_001257197.2); c.1324T>G, p.Leu442Val (NM_001257198.2); short protein forms L370V, L436V, L442V.
Identifiers: ClinVar variation 1917204 (VCV001917204.5), dbSNP rs2106196965, ClinGen allele CA350827345.

ClinVar aggregate classification (germline): Uncertain significance (1 of 4 stars; one submission).

gnomAD v4.1: 1 of 1,608,204 alleles (0.000062%); highest among the groups gnomAD compares: Non-Finnish European, 0.000085%; no homozygotes.

Submission:

Labcorp Genetics (formerly Invitae), Labcorp
Classification: Uncertain significance. Last evaluated: 2022-11-11. Review status: criteria provided, single submitter. Criteria: Invitae Variant Classification Sherloc (09022015). Collection method: clinical testing. Allele origin: germline.
Comment: In summary, the available evidence is currently insufficient to determine the role of this variant in disease. Therefore, it has been classified as a Variant of Uncertain Significance. This sequence change replaces leucine, which is neutral and non-polar, with valine, which is neutral and non-polar, at codon 436 of the CUL3 protein (p.Leu436Val). This variant is not present in population databases (gnomAD no frequency). This variant has not been reported in the literature in individuals affected with CUL3-related conditions. Advanced modeling of protein sequence and biophysical properties (such as structural, functional, and spatial information, amino acid conservation, physicochemical variation, residue mobility, and thermodynamic stability) has been performed at Invitae for this missense variant, however the output from this modeling did not meet the statistical confidence thresholds required to predict the impact of this variant on CUL3 protein function.